The following is an entry in ClinVar:

ClinVar aggregate classification (germline): Uncertain significance. Review status: criteria provided, multiple submitters, no conflicts (2 of 4 stars). 2 submissions from 2 submitters: Uncertain significance (2). Last evaluated 2026-04-09.

Conditions:
Tuberous sclerosis 1 (TSC1). Identifiers: Orphanet 805, MedGen C1854465, MONDO:0008612, OMIM 191100.
Hereditary cancer-predisposing syndrome. Also called: Neoplastic Syndromes, Hereditary; Tumor predisposition; Hereditary Cancer Syndrome; Hereditary neoplastic syndrome. Identifiers: Orphanet 140162, MedGen C0027672, MeSH D009386, MONDO:0015356.

gnomAD v4.1: 1 of 1,614,024 alleles (0.000062%); highest among the groups gnomAD compares: African/African-American, 0.0013%; no homozygotes.

Submissions (2):

Ambry Genetics
Classification: Uncertain significance for Hereditary cancer-predisposing syndrome. Last evaluated: 2026-04-09. Review status: criteria provided, single submitter. Criteria: Ambry Variant Classification Scheme 2023. Collection method: clinical testing. Allele origin: germline.
Comment: The p.V133L variant (also known as c.397G>C), located in coding exon 4 of the TSC1 gene, results from a G to C substitution at nucleotide position 397. The valine at codon 133 is replaced by leucine, an amino acid with highly similar properties. This amino acid position is highly conserved in available vertebrate species. In addition, this alteration is predicted to be deleterious by in silico analysis. Based on the available evidence, the clinical significance of this variant remains unclear.

Labcorp Genetics (formerly Invitae), Labcorp
Classification: Uncertain significance for Tuberous sclerosis 1. Last evaluated: 2025-10-11. Review status: criteria provided, single submitter. Criteria: Invitae Variant Classification Sherloc (09022015). Collection method: clinical testing. Allele origin: germline.
Comment: This sequence change replaces valine, which is neutral and non-polar, with leucine, which is neutral and non-polar, at codon 133 of the TSC1 protein (p.Val133Leu). This variant is not present in population databases (gnomAD no frequency). This variant has not been reported in the literature in individuals affected with TSC1-related conditions. Invitae Evidence Modeling of protein sequence and biophysical properties (such as structural, functional, and spatial information, amino acid conservation, physicochemical variation, residue mobility, and thermodynamic stability) indicates that this missense variant is not expected to disrupt TSC1 protein function with a negative predictive value of 95%. In summary, the available evidence is currently insufficient to determine the role of this variant in disease. Therefore, it has been classified as a Variant of Uncertain Significance.

NM_000368.5(TSC1):c.397G>C (p.Val133Leu)

Gene: TSC1 (TSC complex subunit 1; minus strand). Cytogenetic location: 9q34.13.
Variant type: single nucleotide variant.
Coding change: c.397G>C on transcript NM_000368.5 (MANE Select); coding-DNA position 397, G replaced by C.
Protein change: p.Val133Leu; replaces valine 133 with leucine.
Molecular consequence: missense variant. On other transcripts: 5 prime UTR variant (5), non-coding transcript variant (5).
Genome position (GRCh38, 1-based): chr9:132,923,459, C>G on the plus strand (G>C on the coding strand, the complement: TSC1 is on the minus strand). VCF-style: chr9-132923459-C-G. GRCh37 (hg19) VCF-style: chr9-135798846-C-G.
Other names: c.397G>C, p.Val133Leu (NM_001162426.2, NM_001406592.1, NM_001406593.1 and 16 more transcripts); c.244G>C, p.Val82Leu (NM_001162427.2, NM_001406610.1, NM_001406611.1 and 2 more transcripts); c.34G>C, p.Val12Leu (NM_001362177.2, NM_001406615.1, NM_001406616.1 and 10 more transcripts); c.-481G>C (NM_001406626.1, NM_001406627.1, NM_001406628.1); c.-623G>C (NM_001406629.1); c.-697G>C (NM_001406630.1); short protein forms V12L, V133L, V82L.
Identifiers: ClinVar variation 4761868 (VCV004761868.2).